The following is an entry in ClinVar:

NM_021814.5(ELOVL5):c.8A>G (p.His3Arg)

Gene: ELOVL5 (ELOVL fatty acid elongase 5; minus strand). Cytogenetic location: 6p12.1.
Variant type: single nucleotide variant.
Coding change: c.8A>G on transcript NM_021814.5 (MANE Select); coding-DNA position 8, A replaced by G.
Protein change: p.His3Arg; replaces histidine 3 with arginine.
Molecular consequence: missense variant.
Genome position (GRCh38, 1-based): chr6:53,295,692, T>C on the plus strand (A>G on the coding strand, the complement: ELOVL5 is on the minus strand). VCF-style: chr6-53295692-T-C. GRCh37 (hg19) VCF-style: chr6-53160490-T-C.
Other names: c.8A>G, p.His3Arg (NM_001242828.2, NM_001242830.2, NM_001242831.2 and 1 more transcripts); c.8A>G (NM_001242828.1, NM_021814.4); short protein forms H3R.
Identifiers: ClinVar variation 871261 (VCV000871261.46), dbSNP rs371969953, ClinGen allele CA3859875.

ClinVar aggregate classification (germline): Uncertain significance. Review status: criteria provided, multiple submitters, no conflicts (2 of 4 stars). 4 submissions from 4 submitters: Uncertain significance (4). Last evaluated 2025-08-18.

Conditions:
Inborn genetic diseases. Identifiers: MedGen C0950123, MeSH D030342.
ELOVL5-related disorder. Also called: ELOVL5-related condition.

Allele frequency attached by ClinVar (database versions not stated): gnomAD exomes 0.00002 and 0.00008; ExAC 0.00003; TOPMed 0.00004; gnomAD 0.00009 and 0.00010; ESP Exome Variant Server 0.00015.
gnomAD v4.1: 131 of 1,590,478 alleles (0.0082%); highest among the groups gnomAD compares: Non-Finnish European, 0.01%; no homozygotes.

Submissions (4):

Labcorp Genetics (formerly Invitae), Labcorp
Classification: Uncertain significance. Last evaluated: 2025-08-18. Review status: criteria provided, single submitter. Criteria: Invitae Variant Classification Sherloc (09022015). Collection method: clinical testing. Allele origin: germline.
Comment: This sequence change replaces histidine, which is basic and polar, with arginine, which is basic and polar, at codon 3 of the ELOVL5 protein (p.His3Arg). This variant is present in population databases (rs371969953, gnomAD 0.009%). This variant has not been reported in the literature in individuals affected with ELOVL5-related conditions. ClinVar contains an entry for this variant (Variation ID: 871261). An algorithm developed to predict the effect of missense changes on protein structure and function (PolyPhen-2) suggests that this variant is likely to be tolerated. In summary, the available evidence is currently insufficient to determine the role of this variant in disease. Therefore, it has been classified as a Variant of Uncertain Significance.

PreventionGenetics, part of Exact Sciences
Classification: Uncertain significance for ELOVL5-related condition. Last evaluated: 2025-02-27. Review status: criteria provided, single submitter. Criteria: ACMG Guidelines, 2015. Collection method: clinical testing. Allele origin: germline.
Comment: The ELOVL5 c.8A>G variant is predicted to result in the amino acid substitution p.His3Arg. To our knowledge, this variant has not been reported in the literature. This variant is reported in 0.0086% of alleles in individuals of African descent in gnomAD. At this time, the clinical significance of this variant is uncertain due to the absence of conclusive functional and genetic evidence.

Ambry Genetics
Classification: Uncertain significance for Inborn genetic diseases. Last evaluated: 2024-10-09. Review status: criteria provided, single submitter. Criteria: Ambry Variant Classification Scheme 2023. Collection method: clinical testing. Allele origin: germline.

CeGaT Center for Human Genetics Tuebingen
Classification: Uncertain significance. Last evaluated: 2019-12-01. Review status: criteria provided, single submitter. Criteria: CeGaT Center For Human Genetics Tuebingen Variant Classification Criteria Version 2. Collection method: clinical testing. Allele origin: germline. Affected: yes. Observed: 1 variant allele.